The following is an entry in ClinVar:

ClinVar aggregate classification (germline): Uncertain significance. Review status: criteria provided, multiple submitters, no conflicts (2 of 4 stars). 6 submissions from 6 submitters: Uncertain significance (6). Last evaluated 2025-09-02.

Conditions:
Hereditary cancer-predisposing syndrome. Also called: Neoplastic Syndromes, Hereditary; Tumor predisposition; Hereditary Cancer Syndrome; Hereditary neoplastic syndrome. Identifiers: Orphanet 140162, MedGen C0027672, MeSH D009386, MONDO:0015356.
Lynch syndrome. Identifiers: Orphanet 144, MedGen C4552100, MONDO:0005835. Disease mechanism: loss of function.
Hereditary nonpolyposis colorectal neoplasms. Identifiers: MedGen C0009405, MeSH D003123.

Allele frequency attached by ClinVar (database versions not stated): gnomAD exomes below 0.00001; ExAC 0.00001; TOPMed 0.00001; gnomAD 0.00002.
gnomAD v4.1: 4 of 1,613,974 alleles (0.00025%); highest among the groups gnomAD compares: African/African-American, 0.0053%; no homozygotes.

Submissions (6):

Labcorp Genetics (formerly Invitae), Labcorp
Classification: Uncertain significance for Hereditary nonpolyposis colorectal neoplasms. Last evaluated: 2025-09-02. Review status: criteria provided, single submitter. Criteria: Invitae Variant Classification Sherloc (09022015). Collection method: clinical testing. Allele origin: germline.
Comment: This sequence change replaces cysteine, which is neutral and slightly polar, with tryptophan, which is neutral and slightly polar, at codon 216 of the PMS2 protein (p.Cys216Trp). This variant is present in population databases (rs762387250, gnomAD 0.007%). This variant has not been reported in the literature in individuals affected with PMS2-related conditions. ClinVar contains an entry for this variant (Variation ID: 639082). Invitae Evidence Modeling incorporating data from in vitro experimental studies (internal data) indicates that this missense variant is not expected to disrupt PMS2 function with a negative predictive value of 95%. In summary, the available evidence is currently insufficient to determine the role of this variant in disease. Therefore, it has been classified as a Variant of Uncertain Significance.

GeneDx
Classification: Uncertain significance. Last evaluated: 2025-07-10. Review status: criteria provided, single submitter. Criteria: GeneDx Variant Classification Process June 2021. Collection method: clinical testing. Allele origin: germline. Affected: yes.
Comment: Not observed at significant frequency in large population cohorts (gnomAD); In silico analysis supports that this missense variant has a deleterious effect on protein structure/function; This variant is associated with the following publications: (PMID: 11574484, 32832836, 32459922)

All of Us Research Program, National Institutes of Health
Classification: Uncertain significance for Lynch syndrome. Last evaluated: 2024-07-29. Review status: criteria provided, single submitter. Criteria: ACMG Guidelines, 2015. Collection method: clinical testing. Allele origin: germline. Inheritance: Autosomal dominant inheritance. Observed: 2 variant alleles, 2 heterozygotes.
Comment: This missense variant replaces cysteine with tryptophan at codon 216 of the PMS2 protein. Computational prediction suggests that this variant may not impact protein structure and function (internally defined REVEL score threshold <= 0.5, PMID: 27666373). To our knowledge, functional studies have not been reported for this variant. This variant has been reported in an individual affected with prostate cancer (PMID: 32832836). This variant has been identified in 1/251492 chromosomes in the general population by the Genome Aggregation Database (gnomAD). The available evidence is insufficient to determine the role of this variant in disease conclusively. Therefore, this variant is classified as a Variant of Uncertain Significance.

This study involves interpretation of variants in research participants for the purpose of population health screening. Participant phenotype was not available at the time of variant classification. Additional details can be found in publication PMID: 35346344, PMCID: PMC8962531

Ambry Genetics
Classification: Uncertain significance for Hereditary cancer-predisposing syndrome. Last evaluated: 2024-07-24. Review status: criteria provided, single submitter. Criteria: Ambry Variant Classification Scheme 2023. Collection method: clinical testing. Allele origin: germline.
Comment: The p.C216W variant (also known as c.648C>G), located in coding exon 6 of the PMS2 gene, results from a C to G substitution at nucleotide position 648. The cysteine at codon 216 is replaced by tryptophan, an amino acid with highly dissimilar properties. This variant was identified in a cohort of 3,579 African males diagnosed with prostate cancer who underwent multi-gene panel testing of 19 DNA repair and cancer predisposition genes (Matejcic M et al. JCO Precis Oncol, 2020 Jan;4:32-43). This alteration was also observed in a cohort of 431 patients with wild-type PTEN who met at least the relaxed diagnostic criteria of the International Cowden Consortium (Lee YR et al. N Engl J Med, 2020 05;382:2103-2116). This amino acid position is not well conserved in available vertebrate species. In addition, the in silico prediction for this alteration is inconclusive. Since supporting evidence is limited at this time, the clinical significance of this alteration remains unclear.

Sema4
Classification: Uncertain significance for Hereditary cancer-predisposing syndrome. Last evaluated: 2021-07-28. Review status: criteria provided, single submitter. Criteria: Sema4 Curation Guidelines. Collection method: curation. Allele origin: germline.
Comment: The PMS2 c.648C>G (p.C216W) variant has not been reported in the literature to our knowledge. It was observed in 1/16256 chromosomes of the African subpopulation in the large and broad cohorts of the Genome Aggregation Database (PMID: 32461654) and has been reported in ClinVar (Variation ID 639082). Functional studies have not been performed, and in silico predictions of the variant's effect on protein function are inconclusive. The evidence is insufficient to meet ACMG/AMP criteria for classifying the variant as benign or pathogenic. Thus, the clinical significance of this variant is currently uncertain.

Quest Diagnostics Nichols Institute San Juan Capistrano
Classification: Uncertain significance. Last evaluated: 2020-01-15. Review status: criteria provided, single submitter. Criteria: Quest Diagnostics criteria. Collection method: clinical testing. Allele origin: unknown.

Literature cited by the submitters: PubMed 32832836 (cited by All of Us Research Program, National Institutes of Health and Ambry Genetics); PubMed 32459922 (cited by Ambry Genetics).

NM_000535.7(PMS2):c.648C>G (p.Cys216Trp)

Gene: PMS2 (PMS1 homolog 2, mismatch repair system component; minus strand). Cytogenetic location: 7p22.1.
Variant type: single nucleotide variant.
Coding change: c.648C>G on transcript NM_000535.7 (MANE Select); coding-DNA position 648, C replaced by G.
Protein change: p.Cys216Trp; replaces cysteine 216 with tryptophan.
Molecular consequence: missense variant. On other transcripts: 5 prime UTR variant (2), non-coding transcript variant (1), intron variant (1).
Genome position (GRCh38, 1-based): chr7:5,999,165, G>C on the plus strand (C>G on the coding strand, the complement: PMS2 is on the minus strand). VCF-style: chr7-5999165-G-C. GRCh37 (hg19) VCF-style: chr7-6038796-G-C.
Other names: c.243C>G, p.Cys81Trp (NM_001322003.2, NM_001322004.2, NM_001322005.2 and 2 more transcripts); c.648C>G, p.Cys216Trp (NM_001322006.2, NM_001322014.2); c.330C>G, p.Cys110Trp (NM_001322007.2, NM_001322008.2); c.-286C>G (NM_001322011.2, NM_001322012.2); c.339C>G, p.Cys113Trp (NM_001322015.2); c.133-1742C>G (NM_001322013.2); short protein forms C110W, C113W, C216W, C81W.
Identifiers: ClinVar variation 639082 (VCV000639082.18), dbSNP rs762387250, ClinGen allele CA050751.